The following is an entry in ClinVar:

ClinVar aggregate classification (germline): Uncertain significance (1 of 4 stars; one submission).

Allele frequency attached by ClinVar (database versions not stated): gnomAD 0.00001.
gnomAD v4.1: 1 of 1,613,992 alleles (0.000062%); highest among the groups gnomAD compares: African/African-American, 0.0013%; no homozygotes.

Submission:

Labcorp Genetics (formerly Invitae), Labcorp
Classification: Uncertain significance. Last evaluated: 2023-10-11. Review status: criteria provided, single submitter. Criteria: Invitae Variant Classification Sherloc (09022015). Collection method: clinical testing. Allele origin: germline.
Comment: This sequence change replaces proline, which is neutral and non-polar, with alanine, which is neutral and non-polar, at codon 1658 of the FAT2 protein (p.Pro1658Ala). This variant is not present in population databases (gnomAD no frequency). This variant has not been reported in the literature in individuals affected with FAT2-related conditions. Advanced modeling of protein sequence and biophysical properties (such as structural, functional, and spatial information, amino acid conservation, physicochemical variation, residue mobility, and thermodynamic stability) performed at Invitae indicates that this missense variant is not expected to disrupt FAT2 protein function. In summary, the available evidence is currently insufficient to determine the role of this variant in disease. Therefore, it has been classified as a Variant of Uncertain Significance.

NM_001447.3(FAT2):c.4972C>G (p.Pro1658Ala)

Genes: FAT2 (FAT atypical cadherin 2; minus strand), SLC36A1 (solute carrier family 36 member 1; plus strand). Cytogenetic location: 5q33.1.
Variant type: single nucleotide variant.
Coding change: c.4972C>G on transcript NM_001447.3 (MANE Select); coding-DNA position 4972, C replaced by G.
Protein change: p.Pro1658Ala; replaces proline 1658 with alanine.
Molecular consequence: missense variant.
Genome position (GRCh38, 1-based): chr5:151,546,155, G>C on the plus strand (C>G on the coding strand, the complement: FAT2 is on the minus strand). VCF-style: chr5-151546155-G-C. GRCh37 (hg19) VCF-style: chr5-150925716-G-C.
Other names: short protein forms P1658A.
Identifiers: ClinVar variation 2998751 (VCV002998751.3), dbSNP rs1756609080, ClinGen allele CA361844035.